The following is an entry in ClinVar:

NM_000277.3(PAH):c.202A>G (p.Arg68Gly)

Gene: PAH (phenylalanine hydroxylase; minus strand). Cytogenetic location: 12q23.2.
Variant type: single nucleotide variant.
Coding change: c.202A>G on transcript NM_000277.3 (MANE Select); coding-DNA position 202, A replaced by G.
Protein change: p.Arg68Gly; replaces arginine 68 with glycine.
Molecular consequence: missense variant.
Genome position (GRCh38, 1-based): chr12:102,894,885, T>C on the plus strand (A>G on the coding strand, the complement: PAH is on the minus strand). VCF-style: chr12-102894885-T-C. GRCh37 (hg19) VCF-style: chr12-103288663-T-C.
Other names: c.202A>G, p.Arg68Gly (NM_001354304.2); short protein forms R68G.
Identifiers: ClinVar variation 102627 (VCV000102627.2), dbSNP rs199475639, ClinGen allele CA229484.

ClinVar aggregate classification (germline): Pathogenic. Review status: reviewed by expert panel (3 of 4 stars). 2 submissions from 2 submitters: Pathogenic (1). 1 of the submissions does not count toward it. Last evaluated 2020-07-02.

Conditions:
Phenylketonuria (PKU). Also called: Phenylketonuria (PKU); FOLLING DISEASE; OLIGOPHRENIA PHENYLPYRUVICA; Phenylketonurias. Identifiers: Orphanet 716, MedGen C0031485, MONDO:0009861, OMIM 261600. Disease mechanism: loss of function.

Submissions (2):

ClinGen PAH Variant Curation Expert Panel
Classification: Pathogenic for Phenylketonuria. Last evaluated: 2020-07-02. Review status: reviewed by expert panel. Criteria: ClinGen PAH ACMG Specifications v1. Collection method: curation. Allele origin: germline. Inheritance: Autosomal recessive inheritance.
Comment: The c.202A>G (p.Arg68Gly) variant in PAH has been reported in multiple individuals with PKU (BH4 deficiency excluded). (PMID: 21147011). This variant is absent in population databases. This variant was detected with multiple pathogenic variants: R243Q (PMID: 10495930); p.R408W (3 patients including 2 siblings); c.842+1G>A (2 patients) PMID: 24350308. Computational prediction tools and conservation analysis support a deleterious effect on the protein. Another missense variant at the same amino acid (p.Arg68Ser) is pathogenic. In summary, this variant meets criteria to be classified as pathogenic for PAH. PAH-specific ACMG/AMP criteria applied: PM3_strong, PM2, PM5, PP4_Moderate, PP3, PP1.

DeBelle Laboratory for Biochemical Genetics, MUHC/MCH RESEARCH INSTITUTE
No classification provided. Review status: no classification provided. Collection method: not provided. Allele origin: not provided. Not counted in ClinVar's aggregate classification.

Literature cited by the submitters: PubMed 10495930 (cited by ClinGen PAH Variant Curation Expert Panel); PubMed 21147011 (cited by ClinGen PAH Variant Curation Expert Panel).